The following is an entry in ClinVar:

ClinVar aggregate classification (germline): Likely pathogenic (1 of 4 stars; one submission).

Submission:

Dasa
Classification: Likely pathogenic. Last evaluated: 2024-10-25. Review status: criteria provided, single submitter. Criteria: DASA Assertion Criteria. Collection method: clinical testing. Allele origin: germline.
Comment: NM_005506.4(SCARB2):c.1173dup (p.Leu392Ilefs*3) is a frameshift variant in SCARB2 predicted to alter the reading frame and introduce a premature termination codon and is predicted to result in an absent or altered protein product. Loss of function is an established disease mechanism for SCARB2-associated disorders. Also, this variant is absent from population databases. Based on the currently available evidence, this variant is classified as likely pathogenic.

NM_005506.4(SCARB2):c.1173dup (p.Leu392fs)

Gene: SCARB2 (scavenger receptor class B member 2; minus strand). Cytogenetic location: 4q21.1.
Variant type: Duplication.
Coding change: c.1173dup on transcript NM_005506.4 (MANE Select); coding-DNA position 1173, one base duplicated (A; older notation c.1173dupA).
Protein change: p.Leu392fs; shifts the reading frame from leucine 392.
Molecular consequence: frameshift variant.
Genome position (GRCh38, 1-based): chr4:76,168,417, T duplicated on the plus strand (A on the coding strand, the reverse complement: SCARB2 is on the minus strand); the first of 6 consecutive T bases (chr4:76,168,417-76,168,422); duplicating any one gives the same sequence. VCF-style (leftmost placement, unchanged base first): chr4-76168416-A-AT. GRCh37 (hg19) VCF-style: chr4-77089569-A-AT.
Other names: c.744dup, p.Leu249fs (NM_001204255.2); short protein forms L249fs, L392fs.
Identifiers: ClinVar variation 4886425 (VCV004886425.2).